The following is an entry in ClinVar:

NM_000441.2(SLC26A4):c.1985_1998del (p.Cys662fs)

Gene: SLC26A4 (solute carrier family 26 member 4; plus strand). Cytogenetic location: 7q22.3.
Variant type: Deletion.
Coding change: c.1985_1998del on transcript NM_000441.2 (MANE Select); coding-DNA positions 1985 to 1998, 14 bases deleted (GTGGAGCTATATCT).
Protein change: p.Cys662fs; shifts the reading frame from cysteine 662.
Molecular consequence: frameshift variant.
Genome position (GRCh38, 1-based): chr7:107,702,008-107,702,021, GTGGAGCTATATCT deleted; deleting any 14 consecutive bases within chr7:107,702,006-107,702,021 gives the same sequence; the c. name uses the placement nearest the transcript's 3' end. VCF-style (leftmost placement, unchanged base first): chr7-107702005-ACTGTGGAGCTATAT-A. GRCh37 (hg19) VCF-style: chr7-107342450-ACTGTGGAGCTATAT-A.
Other names: short protein forms C662fs.
Identifiers: ClinVar variation 2089511 (VCV002089511.4), dbSNP rs2535338327, ClinGen allele CA2580076173.

ClinVar aggregate classification (germline): Pathogenic (1 of 4 stars; one submission).

Submission:

Labcorp Genetics (formerly Invitae), Labcorp
Classification: Pathogenic. Last evaluated: 2022-01-26. Review status: criteria provided, single submitter. Criteria: Invitae Variant Classification Sherloc (09022015). Collection method: clinical testing. Allele origin: germline.
Comment: This variant has not been reported in the literature in individuals affected with SLC26A4-related conditions. This sequence change creates a premature translational stop signal (p.Cys662Phefs*21) in the SLC26A4 gene. It is expected to result in an absent or disrupted protein product. Loss-of-function variants in SLC26A4 are known to be pathogenic (PMID: 16283880, 25394566, 26252218, 26445815). This variant is not present in population databases (gnomAD no frequency). For these reasons, this variant has been classified as Pathogenic.

Literature cited by the submitters: PubMed 16283880; PubMed 25394566; PubMed 26252218; PubMed 26445815.